The following is an entry in ClinVar:

NM_000044.6(AR):c.1769G>T (p.Gly590Val)

Gene: AR (androgen receptor; plus strand). Cytogenetic location: Xq12.
Variant type: single nucleotide variant.
Coding change: c.1769G>T on transcript NM_000044.6 (MANE Select); coding-DNA position 1769, G replaced by T.
Protein change: p.Gly590Val; replaces glycine 590 with valine.
Molecular consequence: missense variant.
Genome position (GRCh38, 1-based): chrX:67,686,010, G>T. VCF-style: chrX-67686010-G-T. GRCh37 (hg19) VCF-style: chrX-66905852-G-T.
Other names: c.173G>T, p.Gly58Val (NM_001011645.3); c.1769G>T, p.Gly590Val (NM_001348061.1, NM_001348063.1); c.1686G>T, p.Arg562Ser (NM_001348064.1); short protein forms G58V, G590V, R562S.
Identifiers: ClinVar variation 4885568 (VCV004885568.2).

ClinVar aggregate classification (germline): Uncertain significance (1 of 4 stars; one submission).

Submission:

Dasa
Classification: Uncertain significance. Last evaluated: 2025-07-09. Review status: criteria provided, single submitter. Criteria: DASA Assertion Criteria. Collection method: clinical testing. Allele origin: germline.
Comment: NM_000044.6(AR):c.1769G>T (p.Gly590Val) is a missense variant that results in the substitution of glycine with valine. This variant is absent from population databases. Computational prediction algorithms are consistent with a deleterious effect. The currently available literature and clinical evidence are not sufficient to establish a definitive association between this variant and the reported condition. Therefore, this variant is classified as a variant of uncertain significance.